The following is an entry in ClinVar:

NM_000051.4(ATM):c.8504dup (p.Cys2835fs)

Genes: ATM (ATM serine/threonine kinase; plus strand), C11orf65 (chromosome 11 open reading frame 65; minus strand). Cytogenetic location: 11q22.3.
Variant type: Duplication.
Coding change: c.8504dup on transcript NM_000051.4 (MANE Select); coding-DNA position 8504, one base duplicated (G; older notation c.8504dupG).
Protein change: p.Cys2835fs; shifts the reading frame from cysteine 2835.
Molecular consequence: frameshift variant. On other transcripts: intron variant (2).
Genome position (GRCh38, 1-based): chr11:108,345,828, G duplicated. VCF-style (leftmost placement, unchanged base first): chr11-108345827-T-TG. GRCh37 (hg19) VCF-style: chr11-108216554-T-TG.
Other names: c.8504dup, p.Cys2835fs (NM_001351834.2); c.641-36757dup (NM_001330368.2); c.695-10536dup (NM_001351110.2); short protein forms C2835fs.
Identifiers: ClinVar variation 1460103 (VCV001460103.9), dbSNP rs2137031805, ClinGen allele CA2573146782.

ClinVar aggregate classification (germline): Pathogenic. Review status: criteria provided, multiple submitters, no conflicts (2 of 4 stars). 2 submissions from 2 submitters: Pathogenic (2). Last evaluated 2024-02-02.

Conditions:
Familial cancer of breast. Also called: BREAST CANCER, FAMILIAL; Hereditary breast cancer; hereditary breast carcinoma. Identifiers: Orphanet 227535, MedGen C0346153, MONDO:0016419, OMIM 114480. Disease mechanism: loss of function.
Ataxia-telangiectasia syndrome (AT). Also called: LOUIS-BAR SYNDROME; Cerebello-oculocutaneous telangiectasia; Immunodeficiency with ataxia telangiectasia; Ataxia telangiectasia (A-T); Ataxia-telangiectasia, complementation group D; AT, COMPLEMENTATION GROUP C. Identifiers: Orphanet 100, MedGen C0004135, MONDO:0008840, OMIM 208900.

Submissions (2):

Myriad Genetics, Inc.
Classification: Pathogenic for Familial cancer of breast. Last evaluated: 2024-02-02. Review status: criteria provided, single submitter. Criteria: Myriad Autosomal Dominant, Autosomal Recessive and X-Linked Classification Criteria (2023). Collection method: clinical testing. Allele origin: unknown.
Comment: This variant is considered pathogenic. This variant creates a frameshift predicted to result in premature protein truncation.

Labcorp Genetics (formerly Invitae), Labcorp
Classification: Pathogenic for Ataxia-telangiectasia syndrome. Last evaluated: 2021-08-22. Review status: criteria provided, single submitter. Criteria: Invitae Variant Classification Sherloc (09022015). Collection method: clinical testing. Allele origin: germline.
Comment: This sequence change creates a premature translational stop signal (p.Cys2835Trpfs*13) in the ATM gene. It is expected to result in an absent or disrupted protein product. Loss-of-function variants in ATM are known to be pathogenic (PMID: 23807571, 25614872). For these reasons, this variant has been classified as Pathogenic. This variant has not been reported in the literature in individuals affected with ATM-related conditions. This variant is not present in population databases (ExAC no frequency).

Literature cited by the submitters: PubMed 23807571 (cited by Labcorp Genetics (formerly Invitae), Labcorp); PubMed 25614872 (cited by Labcorp Genetics (formerly Invitae), Labcorp).